The following is an entry in ClinVar:

NM_001164508.2(NEB):c.9414+5G>A

Gene: NEB (nebulin; minus strand). Cytogenetic location: 2q23.3.
Variant type: single nucleotide variant.
Coding change: c.9414+5G>A on transcript NM_001164508.2 (MANE Select); 5 bases into the intron after coding-DNA position 9414, G replaced by A.
Molecular consequence: intron variant.
Genome position (GRCh38, 1-based): chr2:151,633,649, C>T on the plus strand (G>A on the coding strand, the complement: NEB is on the minus strand). VCF-style: chr2-151633649-C-T. GRCh37 (hg19) VCF-style: chr2-152490163-C-T.
Other names: c.8854-2471G>A (NM_004543.5); c.9414+5G>A (NM_001164507.2, NM_001271208.2).
Identifiers: ClinVar variation 1353172 (VCV001353172.6), dbSNP rs2154080637, ClinGen allele CA2573133460.
Genomic context (GRCh38, chr2:151,633,649, plus strand): 5'-AGGATAATTTTCACATAGTTTAAATTATTTCTATGCACAGCTCCATTTATAGATGCTGTA[C>T]TCACGTCACTCTGGAGGTCATAGGCCTGCCGAGCATGGATGACATCGCTCTGGTCAGGCA-3'

ClinVar aggregate classification (germline): Uncertain significance (1 of 4 stars; one submission).

Conditions:
Nemaline myopathy 2 (NEM2). Also called: Nemaline myopathy 2, autosomal recessive. Identifiers: MedGen C1850569, MONDO:0009725, OMIM 256030.

Submission:

Labcorp Genetics (formerly Invitae), Labcorp
Classification: Uncertain significance for Nemaline myopathy 2. Last evaluated: 2024-12-09. Review status: criteria provided, single submitter. Criteria: Invitae Variant Classification Sherloc (09022015). Collection method: clinical testing. Allele origin: germline.
Comment: This sequence change falls in intron 65 of the NEB gene. It does not directly change the encoded amino acid sequence of the NEB protein. It affects a nucleotide within the consensus splice site. This variant is not present in population databases (gnomAD no frequency). This variant has not been reported in the literature in individuals affected with NEB-related conditions. ClinVar contains an entry for this variant (Variation ID: 1353172). Variants that disrupt the consensus splice site are a relatively common cause of aberrant splicing (PMID: 17576681, 9536098). Algorithms developed to predict the effect of sequence changes on RNA splicing suggest that this variant may disrupt the consensus splice site. In summary, the available evidence is currently insufficient to determine the role of this variant in disease. Therefore, it has been classified as a Variant of Uncertain Significance.

Literature cited by the submitters: PubMed 17576681; PubMed 9536098.